The following is an entry in ClinVar:

ClinVar aggregate classification (germline): Uncertain significance (1 of 4 stars; one submission).

Conditions:
Infantile-onset X-linked spinal muscular atrophy. Also called: AMC, DISTAL, X-LINKED; ARTHROGRYPOSIS, X-LINKED, TYPE I; Spinal muscular atrophy, X-linked 2; SPINAL MUSCULAR ATROPHY, X-LINKED LETHAL INFANTILE; Spinal Muscular Atrophy, X-Linked Infantile. Identifiers: Orphanet 1145, MedGen C1844934, MONDO:0010532, OMIM 301830.

Allele frequency attached by ClinVar (database versions not stated): gnomAD exomes below 0.00001; TOPMed 0.00001.
gnomAD v4.1: 1 of 1,210,770 alleles (0.000083%); highest among the groups gnomAD compares: East Asian, 0.003%; no homozygotes.

Submission:

Labcorp Genetics (formerly Invitae), Labcorp
Classification: Uncertain significance for Infantile-onset X-linked spinal muscular atrophy. Last evaluated: 2024-10-14. Review status: criteria provided, single submitter. Criteria: Invitae Variant Classification Sherloc (09022015). Collection method: clinical testing. Allele origin: germline.
Comment: This sequence change replaces alanine, which is neutral and non-polar, with threonine, which is neutral and polar, at codon 387 of the UBA1 protein (p.Ala387Thr). This variant is not present in population databases (gnomAD no frequency). This variant has not been reported in the literature in individuals affected with UBA1-related conditions. ClinVar contains an entry for this variant (Variation ID: 465029). An algorithm developed to predict the effect of missense changes on protein structure and function (PolyPhen-2) suggests that this variant is likely to be tolerated. In summary, the available evidence is currently insufficient to determine the role of this variant in disease. Therefore, it has been classified as a Variant of Uncertain Significance.

NM_003334.4(UBA1):c.1159G>A (p.Ala387Thr)

Gene: UBA1 (ubiquitin like modifier activating enzyme 1; plus strand). Cytogenetic location: Xp11.3.
Variant type: single nucleotide variant.
Coding change: c.1159G>A on transcript NM_003334.4 (MANE Select); coding-DNA position 1159, G replaced by A.
Protein change: p.Ala387Thr; replaces alanine 387 with threonine.
Molecular consequence: missense variant.
Genome position (GRCh38, 1-based): chrX:47,202,740, G>A. VCF-style: chrX-47202740-G-A. GRCh37 (hg19) VCF-style: chrX-47062139-G-A.
Other names: c.1159G>A, p.Ala387Thr (NM_153280.3); short protein forms A387T.
Identifiers: ClinVar variation 465029 (VCV000465029.8), dbSNP rs1556788813, ClinGen allele CA412796407.
Genomic context (GRCh38, chrX:47,202,740, plus strand): 5'-GCTCGAGCCCTGCCAGCAGTGCAGCAAAATAACCTGGACGAGGACCTCATCCGGAAGCTG[G>A]CATATGTGGCTGCTGGGGATCTGGCACCCATAAACGCCTTCATTGGGGGCCTGGCTGCCC-3'
Protein context (NP_003325.2, residues 377-397): NLDEDLIRKL[Ala387Thr]YVAAGDLAPI